The following is an entry in ClinVar:

NM_005859.5(PURA):c.816dup (p.Lys273fs)

Gene: PURA (purine rich element binding protein A; plus strand). Cytogenetic location: 5q31.3.
Variant type: Duplication.
Coding change: c.816dup on transcript NM_005859.5 (MANE Select); coding-DNA position 816, one base duplicated (C; older notation c.816dupC).
Protein change: p.Lys273fs; shifts the reading frame from lysine 273.
Molecular consequence: frameshift variant.
Genome position (GRCh38, 1-based): chr5:140,114,997, C duplicated. VCF-style (leftmost placement, unchanged base first): chr5-140114996-G-GC. GRCh37 (hg19) VCF-style: chr5-139494581-G-GC.
Other names: short protein forms K273fs.
Identifiers: ClinVar variation 5040744 (VCV005040744.1).

ClinVar aggregate classification (germline): Likely pathogenic (1 of 4 stars; one submission).

Submission:

CeGaT Center for Human Genetics Tuebingen
Classification: Likely pathogenic. Last evaluated: 2026-08-01. Review status: criteria provided, single submitter. Criteria: CeGaT Center For Human Genetics Tuebingen Variant Classification Criteria Version 2. Collection method: clinical testing. Allele origin: germline. Affected: yes. Observed: 1 variant allele.
Comment: PURA: PVS1:Strong, PM2